The following is an entry in ClinVar:

ClinVar aggregate classification (germline): Uncertain significance (0 of 4 stars; one submission).

Conditions:
MAGEL2-related disorder. Also called: MAGEL2-related condition.

Submission:

PreventionGenetics, part of Exact Sciences
Classification: Uncertain significance for MAGEL2-related condition. Last evaluated: 2024-05-13. Review status: no assertion criteria provided. Collection method: clinical testing. Allele origin: germline.
Comment: The MAGEL2 c.1505C>A variant is predicted to result in the amino acid substitution p.Pro502His. To our knowledge, this variant has not been reported in the literature or in a large population database, indicating this variant is rare. At this time, the clinical significance of this variant is uncertain due to the absence of conclusive functional and genetic evidence.

NM_019066.5(MAGEL2):c.1505C>A (p.Pro502His)

Gene: MAGEL2 (MAGE family member L2; minus strand). Cytogenetic location: 15q11.2.
Variant type: single nucleotide variant.
Coding change: c.1505C>A on transcript NM_019066.5 (MANE Select); coding-DNA position 1505, C replaced by A.
Protein change: p.Pro502His; replaces proline 502 with histidine.
Molecular consequence: missense variant.
Genome position (GRCh38, 1-based): chr15:23,646,238, G>T on the plus strand (C>A on the coding strand, the complement: MAGEL2 is on the minus strand). VCF-style: chr15-23646238-G-T. GRCh37 (hg19) VCF-style: chr15-23891385-G-T.
Other names: short protein forms P502H.
Identifiers: ClinVar variation 3354400 (VCV003354400.1).